The following is an entry in ClinVar:

NM_001754.5(RUNX1):c.994G>T (p.Asp332Tyr)

Gene: RUNX1 (RUNX family transcription factor 1; minus strand). Cytogenetic location: 21q22.12.
Variant type: single nucleotide variant.
Coding change: c.994G>T on transcript NM_001754.5 (MANE Select); coding-DNA position 994, G replaced by T.
Protein change: p.Asp332Tyr; replaces aspartic acid 332 with tyrosine.
Molecular consequence: missense variant.
Genome position (GRCh38, 1-based): chr21:34,792,584, C>A on the plus strand (G>T on the coding strand, the complement: RUNX1 is on the minus strand). VCF-style: chr21-34792584-C-A. GRCh37 (hg19) VCF-style: chr21-36164881-C-A.
Other names: NM_001754.5(RUNX1):c.994G>T; p.Asp332Tyr; c.913G>T, p.Asp305Tyr (NM_001001890.3); short protein forms D332Y, D305Y.
Identifiers: ClinVar variation 2003023 (VCV002003023.5), dbSNP rs757030094, ClinGen allele CA10014226.

ClinVar aggregate classification (germline): Uncertain significance. Review status: reviewed by expert panel (3 of 4 stars). 2 submissions from 2 submitters: Uncertain significance (1). 1 of the submissions does not count toward it. Last evaluated 2024-11-13.

Conditions:
Hereditary thrombocytopenia and hematological cancer predisposition syndrome associated with RUNX1. Also called: Familial Platelet Disorder with Propensity to Acute Myelogenous Leukemia; Familial thrombocytopenia with propensity to acute myelogenous leukemia; PLATELET DISORDER, ASPIRIN-LIKE; RUNX1 Familial Platelet Disorder with Associated Myeloid Malignancies. Identifiers: Orphanet 71290, MedGen C1832388, MeSH C563324, MONDO:0100083, OMIM 601399.
Hereditary thrombocytopenia and hematologic cancer predisposition syndrome. Identifiers: Orphanet 71290, MedGen CN281654, MONDO:0011071.

gnomAD v4.1: 1 of 1,599,730 alleles (0.000063%); highest among the groups gnomAD compares: Non-Finnish European, 0.000085%; no homozygotes.

Submissions (2):

ClinGen Myeloid Malignancy Variant Curation Expert Panel
Classification: Uncertain significance for Hereditary thrombocytopenia and hematologic cancer predisposition syndrome. Last evaluated: 2024-11-13. Review status: reviewed by expert panel. Criteria: ClinGen MyeloMalig ACMG Specifications v2. Collection method: curation. Allele origin: germline. Inheritance: Autosomal dominant inheritance.
Comment: NM_001754.5(RUNX1):c.994G>T (p.Asp332Tyr) is a missense variant which has a REVEL score < 0.50 (0.411), and a SpliceAI score ≤ 0.20 (0.0) (BP4). In summary, the clinical significance of this variant is uncertain. ACMG/AMP criteria applied, as specified by the Myeloid Malignancy Variant Curation Expert Panel for RUNX1: BP4.

Labcorp Genetics (formerly Invitae), Labcorp
Classification: Uncertain significance for Hereditary thrombocytopenia and hematological cancer predisposition syndrome associated with RUNX1. Last evaluated: 2022-06-07. Review status: criteria provided, single submitter. Criteria: Invitae Variant Classification Sherloc (09022015). Collection method: clinical testing. Allele origin: germline. Not counted in ClinVar's aggregate classification.
Comment: This sequence change replaces aspartic acid, which is acidic and polar, with tyrosine, which is neutral and polar, at codon 332 of the RUNX1 protein (p.Asp332Tyr). The frequency data for this variant in the population databases is considered unreliable, as metrics indicate poor data quality at this position in the gnomAD database. This variant has not been reported in the literature in individuals affected with RUNX1-related conditions. Algorithms developed to predict the effect of missense changes on protein structure and function are either unavailable or do not agree on the potential impact of this missense change (SIFT: "Deleterious"; PolyPhen-2: "Probably Damaging"; Align-GVGD: "Class C0"). In summary, the available evidence is currently insufficient to determine the role of this variant in disease. Therefore, it has been classified as a Variant of Uncertain Significance.